The following is an entry in ClinVar:

ClinVar aggregate classification (germline): Uncertain significance (1 of 4 stars; one submission).

gnomAD v4.1: 1 of 1,586,764 alleles (0.000063%); no homozygotes.

Submission:

Labcorp Genetics (formerly Invitae), Labcorp
Classification: Uncertain significance. Last evaluated: 2024-04-25. Review status: criteria provided, single submitter. Criteria: Invitae Variant Classification Sherloc (09022015). Collection method: clinical testing. Allele origin: germline.
Comment: This sequence change falls in intron 9 of the TULP1 gene. It does not directly change the encoded amino acid sequence of the TULP1 protein. It affects a nucleotide within the consensus splice site. This variant is not present in population databases (gnomAD no frequency). This variant has been observed in individual(s) with inherited retinal dystrophy (Invitae). In at least one individual the data is consistent with being in trans (on the opposite chromosome) from a pathogenic variant. ClinVar contains an entry for this variant (Variation ID: 1055724). Variants that disrupt the consensus splice site are a relatively common cause of aberrant splicing (PMID: 17576681, 9536098). Algorithms developed to predict the effect of sequence changes on RNA splicing suggest that this variant may disrupt the consensus splice site. In summary, the available evidence is currently insufficient to determine the role of this variant in disease. Therefore, it has been classified as a Variant of Uncertain Significance.

Literature cited by the submitters: PubMed 17576681; PubMed 9536098.

NM_003322.6(TULP1):c.828+5G>T

Gene: TULP1 (TUB like protein 1; minus strand). Cytogenetic location: 6p21.31.
Variant type: single nucleotide variant.
Coding change: c.828+5G>T on transcript NM_003322.6 (MANE Select); 5 bases into the intron after coding-DNA position 828, G replaced by T.
Molecular consequence: intron variant.
Genome position (GRCh38, 1-based): chr6:35,506,269, C>A on the plus strand (G>T on the coding strand, the complement: TULP1 is on the minus strand). VCF-style: chr6-35506269-C-A. GRCh37 (hg19) VCF-style: chr6-35474046-C-A.
Other names: c.669+5G>T (NM_001289395.2).
Identifiers: ClinVar variation 1055724 (VCV001055724.8), dbSNP rs2150925629, ClinGen allele CA2499218243.